The following is an entry in ClinVar:

ClinVar aggregate classification (germline): Pathogenic. Review status: criteria provided, single submitter (1 of 4 stars). 2 submissions from 2 submitters: Pathogenic (1). 1 of the submissions does not count toward it. Last evaluated 2025-09-30.

Conditions:
Complement component 3 deficiency. Identifiers: Orphanet 280133, MedGen C3151071, MONDO:0013417, OMIM 613779.

Submissions (2):

Genomenon, Inc
Classification: Pathogenic for Complement component 3 deficiency. Last evaluated: 2025-09-30. Review status: criteria provided, single submitter. Criteria: Genomenon Sequence Variant Interpretation Standards. Collection method: curation. Allele origin: germline. Affected: yes.
Comment: C3 p.Val57TyrfsTer15 (c.169_170del) is a frameshift variant that results in the production of a truncated protein which is predicted to undergo nonsense-mediated mRNA decay. This variant has been observed in at least one proband affected with C3 deficiency (PMID:29113906). It is absent or not present at a significant frequency in gnomAD. In conclusion, we classify C3 p.Val57TyrfsTer15 (c.169_170del) as a pathogenic variant.

Bioscientia Institut fuer Medizinische Diagnostik GmbH, Sonic Healthcare
Classification: Pathogenic for Complement component 3 deficiency. Last evaluated: 2018-05-16. Review status: no assertion criteria provided. Collection method: clinical testing. Allele origin: germline. Affected: yes. Not counted in ClinVar's aggregate classification.

Literature cited by the submitters: PubMed 29113906 (cited by Genomenon, Inc).

NM_000064.4(C3):c.169_170del (p.Val57fs)

Gene: C3 (complement C3; minus strand). Cytogenetic location: 19p13.3.
Variant type: Deletion.
Coding change: c.169_170del on transcript NM_000064.4 (MANE Select); coding-DNA positions 169 to 170, 2 bases deleted (GT; older notation c.169_170delGT).
Protein change: p.Val57fs; shifts the reading frame from valine 57.
Molecular consequence: frameshift variant.
Genome position (GRCh38, 1-based): chr19:6,719,308-6,719,309, AC deleted on the plus strand (GT on the coding strand, the reverse complement: C3 is on the minus strand); deleting any 2 consecutive bases within chr19:6,719,308-6,719,310 gives the same sequence; the c. name uses the placement nearest the transcript's 3' end. VCF-style (leftmost placement, unchanged base first): chr19-6719307-AAC-A. GRCh37 (hg19) VCF-style: chr19-6719318-AAC-A.
Other names: short protein forms V57fs.
Identifiers: ClinVar variation 599117 (VCV000599117.3), dbSNP rs1568229677, ClinGen allele CA913190984.
Genomic context (GRCh38, chr19:6,719,307, plus strand): 5'-GGTCAGCACAGTCTTCTCACTGGACAGCACTAGTTTTTTGCCTGGGAAGTCGTGGACAGT[AAC>A]AGTGACTGGAACATCCCCTTGCGCGTCGTGGGCCTCCAGCACCATGGTCTCCTCGCTCTC-3'